The following is an entry in ClinVar:

ClinVar aggregate classification (germline): Uncertain significance (1 of 4 stars; one submission).

Conditions:
Inborn genetic diseases. Identifiers: MedGen C0950123, MeSH D030342.

gnomAD v4.1: 1 of 1,552,804 alleles (0.000064%); highest among the groups gnomAD compares: Non-Finnish European, 0.000087%; no homozygotes.

Submission:

Ambry Genetics
Classification: Uncertain significance for Inborn genetic diseases. Last evaluated: 2020-03-21. Review status: criteria provided, single submitter. Criteria: Ambry Variant Classification Scheme 2023. Collection method: clinical testing. Allele origin: germline.
Comment: The p.F20L variant (also known as c.60C>A), located in coding exon 1 of the PMP22 gene, results from a C to A substitution at nucleotide position 60. The phenylalanine at codon 20 is replaced by leucine, an amino acid with highly similar properties. This amino acid position is highly conserved in available vertebrate species. In addition, the in silico prediction for this alteration is inconclusive. Since supporting evidence is limited at this time, the clinical significance of this alteration remains unclear.

NM_000304.4(PMP22):c.60C>A (p.Phe20Leu)

Gene: PMP22 (peripheral myelin protein 22; minus strand). Cytogenetic location: 17p12.
Variant type: single nucleotide variant.
Coding change: c.60C>A on transcript NM_000304.4 (MANE Select); coding-DNA position 60, C replaced by A.
Protein change: p.Phe20Leu; replaces phenylalanine 20 with leucine.
Molecular consequence: missense variant.
Genome position (GRCh38, 1-based): chr17:15,260,668, G>T on the plus strand (C>A on the coding strand, the complement: PMP22 is on the minus strand). VCF-style: chr17-15260668-G-T. GRCh37 (hg19) VCF-style: chr17-15163985-G-T.
Other names: c.60C>A, p.Phe20Leu (NM_001281455.2, NM_001281456.2, NM_001330143.2 and 2 more transcripts); short protein forms F20L.
Identifiers: ClinVar variation 1751590 (VCV001751590.2), dbSNP rs1436741083, ClinGen allele CA398271685.